The following is an entry in ClinVar:

ClinVar aggregate classification (germline): Uncertain significance. Review status: criteria provided, multiple submitters, no conflicts (2 of 4 stars). 2 submissions from 2 submitters: Uncertain significance (2). Last evaluated 2024-10-04.

Conditions:
Hereditary cancer-predisposing syndrome. Also called: Neoplastic Syndromes, Hereditary; Hereditary Cancer Syndrome; Tumor predisposition; Hereditary neoplastic syndrome. Identifiers: Orphanet 140162, MedGen C0027672, MeSH D009386, MONDO:0015356.
EGFR-related lung cancer (EGFR). Identifiers: MedGen CN130014.

Submissions (2):

Ambry Genetics
Classification: Uncertain significance for Hereditary cancer-predisposing syndrome. Last evaluated: 2024-10-04. Review status: criteria provided, single submitter. Criteria: Ambry Variant Classification Scheme 2023. Collection method: clinical testing. Allele origin: germline.
Comment: The p.G1161S variant (also known as c.3481G>A), located in coding exon 28 of the EGFR gene, results from a G to A substitution at nucleotide position 3481. The glycine at codon 1161 is replaced by serine, an amino acid with similar properties. This amino acid position is conserved. In addition, this alteration is predicted to be tolerated by in silico analysis. Based on the available evidence, the clinical significance of this variant remains unclear.

Labcorp Genetics (formerly Invitae), Labcorp
Classification: Uncertain significance for EGFR-related lung cancer. Last evaluated: 2022-03-07. Review status: criteria provided, single submitter. Criteria: Invitae Variant Classification Sherloc (09022015). Collection method: clinical testing. Allele origin: germline.
Comment: In summary, the available evidence is currently insufficient to determine the role of this variant in disease. Therefore, it has been classified as a Variant of Uncertain Significance. Algorithms developed to predict the effect of missense changes on protein structure and function (SIFT, PolyPhen-2, Align-GVGD) all suggest that this variant is likely to be tolerated. This variant has not been reported in the literature in individuals affected with EGFR-related conditions. This variant is not present in population databases (gnomAD no frequency). This sequence change replaces glycine, which is neutral and non-polar, with serine, which is neutral and polar, at codon 1161 of the EGFR protein (p.Gly1161Ser).

NM_005228.5(EGFR):c.3481G>A (p.Gly1161Ser)

Gene: EGFR (epidermal growth factor receptor; plus strand). Cytogenetic location: 7p11.2.
Variant type: single nucleotide variant.
Coding change: c.3481G>A on transcript NM_005228.5 (MANE Select); coding-DNA position 3481, G replaced by A.
Protein change: p.Gly1161Ser; replaces glycine 1161 with serine.
Molecular consequence: missense variant.
Genome position (GRCh38, 1-based): chr7:55,205,465, G>A. VCF-style: chr7-55205465-G-A. GRCh37 (hg19) VCF-style: chr7-55273158-G-A.
Other names: c.3481G>A (NM_005228.3); c.3346G>A, p.Gly1116Ser (NM_001346899.2); c.3322G>A, p.Gly1108Ser (NM_001346900.2); c.2680G>A, p.Gly894Ser (NM_001346941.2); short protein forms G1108S, G1116S, G1161S, G894S.
Identifiers: ClinVar variation 1377128 (VCV001377128.7), dbSNP rs2128975447, ClinGen allele CA367584714.